The following is an entry in ClinVar:

NM_002470.4(MYH3):c.2066T>G (p.Leu689Arg)

Gene: MYH3 (myosin heavy chain 3; minus strand). Cytogenetic location: 17p13.1.
Variant type: single nucleotide variant.
Coding change: c.2066T>G on transcript NM_002470.4 (MANE Select); coding-DNA position 2066, T replaced by G.
Protein change: p.Leu689Arg; replaces leucine 689 with arginine.
Molecular consequence: missense variant.
Genome position (GRCh38, 1-based): chr17:10,641,184, A>C on the plus strand (T>G on the coding strand, the complement: MYH3 is on the minus strand). VCF-style: chr17-10641184-A-C. GRCh37 (hg19) VCF-style: chr17-10544501-A-C.
Other names: short protein forms L689R.
Identifiers: ClinVar variation 2859819 (VCV002859819.3), dbSNP rs1356747333, ClinGen allele CA398167013.

ClinVar aggregate classification (germline): Uncertain significance (1 of 4 stars; one submission).

Allele frequency attached by ClinVar (database versions not stated): gnomAD exomes below 0.00001; gnomAD 0.00002; TOPMed 0.00002.
gnomAD v4.1: 6 of 1,614,072 alleles (0.00037%); highest among the groups gnomAD compares: Non-Finnish European, 0.00051%; no homozygotes.

Submission:

Labcorp Genetics (formerly Invitae), Labcorp
Classification: Uncertain significance. Last evaluated: 2024-03-07. Review status: criteria provided, single submitter. Criteria: Invitae Variant Classification Sherloc (09022015). Collection method: clinical testing. Allele origin: germline.
Comment: This sequence change replaces leucine, which is neutral and non-polar, with arginine, which is basic and polar, at codon 689 of the MYH3 protein (p.Leu689Arg). This variant is present in population databases (no rsID available, gnomAD 0.0009%). This variant has not been reported in the literature in individuals affected with MYH3-related conditions. Advanced modeling of protein sequence and biophysical properties (such as structural, functional, and spatial information, amino acid conservation, physicochemical variation, residue mobility, and thermodynamic stability) has been performed at Invitae for this missense variant, however the output from this modeling did not meet the statistical confidence thresholds required to predict the impact of this variant on MYH3 protein function. In summary, the available evidence is currently insufficient to determine the role of this variant in disease. Therefore, it has been classified as a Variant of Uncertain Significance.